The following is an entry in ClinVar:

NM_014633.5(CTR9):c.3210C>T (p.Ala1070=)

Gene: CTR9 (CTR9 component of Paf1/RNA polymerase II complex; plus strand). Cytogenetic location: 11p15.4.
Variant type: single nucleotide variant.
Coding change: c.3210C>T on transcript NM_014633.5 (MANE Select); coding-DNA position 3210, C replaced by T.
Protein change: p.Ala1070=; no amino-acid change (alanine 1070 retained).
Molecular consequence: synonymous variant.
Genome position (GRCh38, 1-based): chr11:10,778,793, C>T. VCF-style: chr11-10778793-C-T. GRCh37 (hg19) VCF-style: chr11-10800340-C-T.
Other names: c.3138C>T, p.Ala1046= (NM_001346279.2).
Identifiers: ClinVar variation 4978953 (VCV004978953.1).

ClinVar aggregate classification (germline): Likely benign (1 of 4 stars; one submission).

Conditions:
CTR9-related disorder. Also called: CTR9-related condition.

gnomAD v4.1: 16 of 1,614,172 alleles (0.00099%); highest among the groups gnomAD compares: East Asian, 0.0067%; no homozygotes.

Submission:

PreventionGenetics, part of Exact Sciences
Classification: Likely benign for CTR9-related condition. Last evaluated: 2025-06-10. Review status: criteria provided, single submitter. Criteria: ACMG Guidelines, 2015. Collection method: clinical testing. Allele origin: germline.
Comment: This variant is classified as likely benign based on ACMG/AMP sequence variant interpretation guidelines (Richards et al. 2015 PMID: 25741868, with internal and published modifications).